The following is an entry in ClinVar:

ClinVar aggregate classification (germline): Uncertain significance (1 of 4 stars; one submission).

Conditions:
Severe combined immunodeficiency due to DNA-PKcs deficiency. Also called: Immunodeficiency 26 with or without neurologic abnormalities; IMMUNODEFICIENCY 26 WITH NEUROLOGIC ABNORMALITIES. Identifiers: Orphanet 317425, MedGen C4014833, MONDO:0014423, OMIM 615966.

Submission:

Labcorp Genetics (formerly Invitae), Labcorp
Classification: Uncertain significance for Severe combined immunodeficiency due to DNA-PKcs deficiency. Last evaluated: 2018-08-07. Review status: criteria provided, single submitter. Criteria: Invitae Variant Classification Sherloc (09022015). Collection method: clinical testing. Allele origin: germline.
Comment: This sequence change replaces methionine with arginine at codon 1774 of the PRKDC protein (p.Met1774Arg). The methionine residue is highly conserved and there is a moderate physicochemical difference between methionine and arginine. This variant is not present in population databases (ExAC no frequency). This variant has not been reported in the literature in individuals with PRKDC-related disease. Algorithms developed to predict the effect of missense changes on protein structure and function are either unavailable or do not agree on the potential impact of this missense change (SIFT: "Deleterious"; PolyPhen-2: "Possibly Damaging"; Align-GVGD: "Class C0"). In summary, the available evidence is currently insufficient to determine the role of this variant in disease. Therefore, it has been classified as a Variant of Uncertain Significance.

NM_006904.7(PRKDC):c.5321T>G (p.Met1774Arg)

Gene: PRKDC (protein kinase, DNA-activated, catalytic subunit; minus strand). Cytogenetic location: 8q11.21.
Variant type: single nucleotide variant.
Coding change: c.5321T>G on transcript NM_006904.7 (MANE Select); coding-DNA position 5321, T replaced by G.
Protein change: p.Met1774Arg; replaces methionine 1774 with arginine.
Molecular consequence: missense variant.
Genome position (GRCh38, 1-based): chr8:47,877,766, A>C on the plus strand (T>G on the coding strand, the complement: PRKDC is on the minus strand). VCF-style: chr8-47877766-A-C. GRCh37 (hg19) VCF-style: chr8-48790327-A-C.
Other names: c.5321T>G, p.Met1774Arg (NM_001081640.2); short protein forms M1774R.
Identifiers: ClinVar variation 661140 (VCV000661140.7), dbSNP rs1589759761, ClinGen allele CA371137660.